The following is an entry in ClinVar:

NM_001080512.3(BICC1):c.2427T>G (p.Gly809=)

Gene: BICC1 (BicC family RNA binding protein 1; plus strand). Cytogenetic location: 10q21.1.
Variant type: single nucleotide variant.
Coding change: c.2427T>G on transcript NM_001080512.3 (MANE Select); coding-DNA position 2427, T replaced by G.
Protein change: p.Gly809=; no amino-acid change (glycine 809 retained).
Molecular consequence: synonymous variant.
Genome position (GRCh38, 1-based): chr10:58,813,880, T>G. VCF-style: chr10-58813880-T-G. GRCh37 (hg19) VCF-style: chr10-60573640-T-G.
Identifiers: ClinVar variation 3347058 (VCV003347058.1).

ClinVar aggregate classification (germline): Likely benign (0 of 4 stars; one submission).

Conditions:
BICC1-related disorder. Also called: BICC1-related condition.

Submission:

PreventionGenetics, part of Exact Sciences
Classification: Likely benign for BICC1-related condition. Last evaluated: 2024-09-18. Review status: no assertion criteria provided. Collection method: clinical testing. Allele origin: germline.
Comment: This variant is classified as likely benign based on ACMG/AMP sequence variant interpretation guidelines (Richards et al. 2015 PMID: 25741868, with internal and published modifications).